The following is an entry in ClinVar:

ClinVar aggregate classification (germline): Uncertain significance (1 of 4 stars; one submission).

gnomAD v4.1: 60 of 1,613,912 alleles (0.0037%); highest among the groups gnomAD compares: Non-Finnish European, 0.0049%; no homozygotes.

Submission:

GeneDx
Classification: Uncertain significance. Last evaluated: 2024-11-22. Review status: criteria provided, single submitter. Criteria: GeneDx Variant Classification Process June 2021. Collection method: clinical testing. Allele origin: germline. Affected: yes.
Comment: Canonical splice site variant predicted to result in a null allele in a gene for which loss-of-function is a known mechanism of disease; Has not been previously published as pathogenic or benign to our knowledge

NM_003193.5(TBCE):c.1491+1G>T

Genes: B3GALNT2 (beta-1,3-N-acetylgalactosaminyltransferase 2; minus strand), TBCE (tubulin folding cofactor E; plus strand). Cytogenetic location: 1q42.3.
Variant type: single nucleotide variant.
Coding change: c.1491+1G>T on transcript NM_003193.5 (MANE Select); the canonical splice donor site of the intron after coding-DNA position 1491, G replaced by T.
Molecular consequence: splice donor variant. On other transcripts: 3 prime UTR variant (1).
Genome position (GRCh38, 1-based): chr1:235,448,441, G>T. VCF-style: chr1-235448441-G-T. GRCh37 (hg19) VCF-style: chr1-235611756-G-T.
Other names: c.*1765C>A (NM_152490.5); c.1491+1G>T (NM_001079515.3); c.1644+1G>T (NM_001287801.2); c.1152+1G>T (NM_001287802.2).
Identifiers: ClinVar variation 3900759 (VCV003900759.1).
Genomic context (GRCh38, chr1:235,448,441, plus strand): 5'-CTGTCACGTCTTCTCAAAGTTCCTGTGTCAGACCTTCTGTTGTCCTATGAAAGTCCCAAA[G>T]TAAGTTGCCCAGCAAAATACAAAGTCAAAGTCAAGCTTAGTCCTCGTATTATGACATTAA-3'